The following is an entry in ClinVar:

ClinVar aggregate classification (germline): Uncertain significance (1 of 4 stars; one submission).

Conditions:
Inborn genetic diseases. Identifiers: MedGen C0950123, MeSH D030342.

Submission:

Ambry Genetics
Classification: Uncertain significance for Inborn genetic diseases. Last evaluated: 2026-04-26. Review status: criteria provided, single submitter. Criteria: Ambry Variant Classification Scheme 2023. Collection method: clinical testing. Allele origin: germline.
Comment: The p.L41H variant (also known as c.122T>A), located in coding exon 2 of the BUB1B gene, results from a T to A substitution at nucleotide position 122. The leucine at codon 41 is replaced by histidine, an amino acid with similar properties. This amino acid position is conserved. In addition, this alteration is predicted to be deleterious by in silico analysis. Based on the available evidence, the clinical significance of this variant remains unclear.

NM_001211.6(BUB1B):c.122T>A (p.Leu41His)

Gene: BUB1B (BUB1 mitotic checkpoint serine/threonine kinase B; plus strand). Cytogenetic location: 15q15.1.
Variant type: single nucleotide variant.
Coding change: c.122T>A on transcript NM_001211.6 (MANE Select); coding-DNA position 122, T replaced by A.
Protein change: p.Leu41His; replaces leucine 41 with histidine.
Molecular consequence: missense variant.
Genome position (GRCh38, 1-based): chr15:40,165,139, T>A. VCF-style: chr15-40165139-T-A. GRCh37 (hg19) VCF-style: chr15-40457340-T-A.
Other names: short protein forms L41H.
Identifiers: ClinVar variation 4868000 (VCV004868000.1).